The following is an entry in ClinVar:

NM_003922.4(HERC1):c.300C>T (p.Ala100=)

Gene: HERC1 (HECT and RLD domain containing E3 ubiquitin protein ligase family member 1; minus strand). Cytogenetic location: 15q22.31.
Variant type: single nucleotide variant.
Coding change: c.300C>T on transcript NM_003922.4 (MANE Select); coding-DNA position 300, C replaced by T.
Protein change: p.Ala100=; no amino-acid change (alanine 100 retained).
Molecular consequence: synonymous variant.
Genome position (GRCh38, 1-based): chr15:63,775,324, G>A on the plus strand (C>T on the coding strand, the complement: HERC1 is on the minus strand). VCF-style: chr15-63775324-G-A. GRCh37 (hg19) VCF-style: chr15-64067523-G-A.
Identifiers: ClinVar variation 717457 (VCV000717457.10), dbSNP rs147377413, ClinGen allele CA7606677.

ClinVar aggregate classification (germline): Likely benign. Review status: criteria provided, multiple submitters, no conflicts (2 of 4 stars). 3 submissions from 3 submitters: Likely benign (3). Last evaluated 2026-01-17.

Conditions:
HERC1-related disorder. Also called: HERC1-related condition.

Allele frequency attached by ClinVar (database versions not stated): ExAC 0.00017; gnomAD 0.00017 and 0.00018; TOPMed 0.00018; gnomAD exomes 0.00019 and 0.00020; ESP Exome Variant Server 0.00025; 1000 Genomes Project 30x 0.00031; 1000 Genomes Project 0.00040.
gnomAD v4.1: 318 of 1,613,944 alleles (0.02%); highest among the groups gnomAD compares: East Asian, 0.13%; 1 homozygote.

Submissions (3):

PreventionGenetics, part of Exact Sciences
Classification: Likely benign for HERC1-related condition. Last evaluated: 2026-01-17. Review status: criteria provided, single submitter. Criteria: ACMG Guidelines, 2015. Collection method: clinical testing. Allele origin: germline.
Comment: This variant is classified as likely benign based on ACMG/AMP sequence variant interpretation guidelines (Richards et al. 2015 PMID: 25741868, with internal and published modifications).

Labcorp Genetics (formerly Invitae), Labcorp
Classification: Likely benign. Last evaluated: 2025-10-23. Review status: criteria provided, single submitter. Criteria: Invitae Variant Classification Sherloc (09022015). Collection method: clinical testing. Allele origin: germline.

Blueprint Genetics
Classification: Likely benign. Last evaluated: 2024-01-08. Review status: criteria provided, single submitter. Criteria: ACMG Guidelines, 2015. Collection method: clinical testing. Allele origin: germline.